The following is an entry in ClinVar:

NM_001267550.2(TTN):c.99058G>A (p.Glu33020Lys)

Genes: TTN (titin; minus strand), TTN-AS1 (TTN antisense RNA 1; plus strand). Cytogenetic location: 2q31.2.
Variant type: single nucleotide variant.
Coding change: c.99058G>A on transcript NM_001267550.2 (MANE Select); coding-DNA position 99058, G replaced by A.
Protein change: p.Glu33020Lys; replaces glutamic acid 33020 with lysine.
Molecular consequence: missense variant. On other transcripts: non-coding transcript variant (1).
Genome position (GRCh38, 1-based): chr2:178,538,771, C>T on the plus strand (G>A on the coding strand, the complement: TTN is on the minus strand). VCF-style: chr2-178538771-C-T. GRCh37 (hg19) VCF-style: chr2-179403498-C-T.
Other names: c.94135G>A, p.Glu31379Lys (NM_001256850.1); c.71863G>A, p.Glu23955Lys (NM_003319.4); c.91354G>A, p.Glu30452Lys (NM_133378.4); c.72238G>A, p.Glu24080Lys (NM_133432.3); c.72439G>A, p.Glu24147Lys (NM_133437.4); short protein forms E23955K, E33020K, E24080K, E30452K, E24147K, E31379K.
Identifiers: ClinVar variation 1757559 (VCV001757559.6), dbSNP rs751222141, ClinGen allele CA1986262.

ClinVar aggregate classification (germline): Uncertain significance. Review status: criteria provided, multiple submitters, no conflicts (2 of 4 stars). 4 submissions from 4 submitters: Uncertain significance (4). Last evaluated 2024-12-05.

Conditions:
Cardiomyopathy (CMYO). Also called: Cardiomyopathies. Identifiers: Orphanet 167848, MedGen C0878544, MONDO:0004994, HP:0001638. Inheritance: Various modes of inheritance.
TTN-related disorder. Also called: TTN-related disorders; TTN-related condition; TTN-related disease.
Cardiovascular phenotype. Identifiers: MedGen CN230736.

Allele frequency attached by ClinVar (database versions not stated): ExAC 0.00002; gnomAD 0.00002; TOPMed 0.00003.
gnomAD v4.1: 42 of 1,613,598 alleles (0.0026%); highest among the groups gnomAD compares: Non-Finnish European, 0.0033%; no homozygotes.

Submissions (4):

PreventionGenetics, part of Exact Sciences
Classification: Uncertain significance for TTN-related condition. Last evaluated: 2024-12-05. Review status: criteria provided, single submitter. Criteria: ACMG Guidelines, 2015. Collection method: clinical testing. Allele origin: germline.
Comment: The TTN c.99058G>A variant is predicted to result in the amino acid substitution p.Glu33020Lys. To our knowledge, this variant has not been reported in the literature. This variant is reported in 0.0018% of alleles in individuals of European (Non-Finnish) descent in gnomAD. At this time, the clinical significance of this variant is uncertain due to the absence of conclusive functional and genetic evidence.

Revvity Omics, Revvity
Classification: Uncertain significance. Last evaluated: 2024-09-30. Review status: criteria provided, single submitter. Criteria: ACMG Guidelines, 2015. Collection method: clinical testing. Allele origin: germline.

CHEO Genetics Diagnostic Laboratory, Children's Hospital of Eastern Ontario
Classification: Uncertain significance for Cardiomyopathy. Last evaluated: 2021-09-10. Review status: criteria provided, single submitter. Criteria: ACMG Guidelines, 2015. Collection method: clinical testing. Allele origin: germline.

Ambry Genetics
Classification: Uncertain significance for Cardiovascular phenotype. Last evaluated: 2020-01-16. Review status: criteria provided, single submitter. Criteria: Ambry Variant Classification Scheme 2023. Collection method: clinical testing. Allele origin: germline.
Comment: The p.E23955K variant (also known as c.71863G>A), located in coding exon 181 of the TTN gene, results from a G to A substitution at nucleotide position 71863. The glutamic acid at codon 23955 is replaced by lysine, an amino acid with similar properties. This amino acid position is not well conserved in available vertebrate species. In addition, this alteration is predicted to be tolerated by in silico analysis. Since supporting evidence is limited at this time, the clinical significance of this alteration remains unclear.